The following is an entry in ClinVar:

NM_015559.3(SETBP1):c.708C>A (p.Phe236Leu)

Gene: SETBP1 (SET binding protein 1; plus strand). Cytogenetic location: 18q12.3.
Variant type: single nucleotide variant.
Coding change: c.708C>A on transcript NM_015559.3 (MANE Select); coding-DNA position 708, C replaced by A.
Protein change: p.Phe236Leu; replaces phenylalanine 236 with leucine.
Molecular consequence: missense variant.
Genome position (GRCh38, 1-based): chr18:44,950,048, C>A. VCF-style: chr18-44950048-C-A. GRCh37 (hg19) VCF-style: chr18-42530013-C-A.
Other names: c.708C>A, p.Phe236Leu (LRG_1150t1); short protein forms F236L.
Identifiers: ClinVar variation 448302 (VCV000448302.6), dbSNP rs1555705874, ClinGen allele CA402316665.

ClinVar aggregate classification (germline): Uncertain significance. Review status: criteria provided, multiple submitters, no conflicts (2 of 4 stars). 2 submissions from 2 submitters: Uncertain significance (2). Last evaluated 2024-01-30.

Allele frequency attached by ClinVar (database versions not stated): TOPMed below 0.00001; gnomAD exomes 0.00002.
gnomAD v4.1: 29 of 1,614,230 alleles (0.0018%); highest among the groups gnomAD compares: Non-Finnish European, 0.0025%; no homozygotes.

Submissions (2):

Labcorp Genetics (formerly Invitae), Labcorp
Classification: Uncertain significance. Last evaluated: 2024-01-30. Review status: criteria provided, single submitter. Criteria: Invitae Variant Classification Sherloc (09022015). Collection method: clinical testing. Allele origin: germline.
Comment: This sequence change replaces phenylalanine, which is neutral and non-polar, with leucine, which is neutral and non-polar, at codon 236 of the SETBP1 protein (p.Phe236Leu). This variant is not present in population databases (gnomAD no frequency). This variant has not been reported in the literature in individuals affected with SETBP1-related conditions. ClinVar contains an entry for this variant (Variation ID: 448302). Advanced modeling of protein sequence and biophysical properties (such as structural, functional, and spatial information, amino acid conservation, physicochemical variation, residue mobility, and thermodynamic stability) performed at Invitae indicates that this missense variant is not expected to disrupt SETBP1 protein function with a negative predictive value of 80%. In summary, the available evidence is currently insufficient to determine the role of this variant in disease. Therefore, it has been classified as a Variant of Uncertain Significance.

Athena Diagnostics
Classification: Uncertain significance. Last evaluated: 2016-12-06. Review status: criteria provided, single submitter. Criteria: Athena Diagnostics Criteria. Collection method: clinical testing. Allele origin: germline.